The following is an entry in ClinVar:

NM_002224.4(ITPR3):c.7620C>G (p.Ile2540Met)

Gene: ITPR3 (inositol 1,4,5-trisphosphate receptor type 3; plus strand). Cytogenetic location: 6p21.31.
Variant type: single nucleotide variant.
Coding change: c.7620C>G on transcript NM_002224.4 (MANE Select); coding-DNA position 7620, C replaced by G.
Protein change: p.Ile2540Met; replaces isoleucine 2540 with methionine.
Molecular consequence: missense variant.
Genome position (GRCh38, 1-based): chr6:33,692,889, C>G. VCF-style: chr6-33692889-C-G. GRCh37 (hg19) VCF-style: chr6-33660666-C-G.
Other names: short protein forms I2540M.
Identifiers: ClinVar variation 5040104 (VCV005040104.1).
Genomic context (GRCh38, chr6:33,692,889, plus strand): 5'-CGCTGACCTGCGTAGTGAGAAGCAGAAGAAGGAGGAGATTCTTAAGACGACATGCTTCAT[C>G]TGTGGTGAGGGCTGCTTCCTGCTCTGTGGAGGCCGCAGCGGGGCTGGAACGTCATCTGAT-3'
Protein context (NP_002215.2, residues 2530-2550): KEEILKTTCF[Ile2540Met]CGLERDKFDN

ClinVar aggregate classification (germline): Uncertain significance (1 of 4 stars; one submission).

Submission:

CeGaT Center for Human Genetics Tuebingen
Classification: Uncertain significance. Last evaluated: 2026-07-01. Review status: criteria provided, single submitter. Criteria: CeGaT Center For Human Genetics Tuebingen Variant Classification Criteria Version 2. Collection method: clinical testing. Allele origin: germline. Affected: yes. Observed: 1 variant allele.
Comment: ITPR3: PM2, PP2